The following continues an entry in ClinVar:

NM_021147.5(CCNO):c.382-14C>G

Gene: CCNO. ClinVar aggregate classification (germline): Benign. Benign (5).

Submissions 34 to 51 of 51:

Dr. Peter K. Rogan Lab, Western University
No classification provided (evidence only). Condition: Ovarian cancer. Review status: no classification provided. Collection method: in vitro. Allele origin: not applicable. Functional consequence: retained intron. Not counted in ClinVar's aggregate classification.

Dr. Peter K. Rogan Lab, Western University
No classification provided (evidence only). Condition: Thymoma. Review status: no classification provided. Collection method: in vitro. Allele origin: not applicable. Functional consequence: retained intron. Not counted in ClinVar's aggregate classification.

Dr. Peter K. Rogan Lab, Western University
No classification provided (evidence only). Condition: Thymoma. Review status: no classification provided. Collection method: in vitro. Allele origin: not applicable. Functional consequence: retained intron. Not counted in ClinVar's aggregate classification.

Dr. Peter K. Rogan Lab, Western University
No classification provided (evidence only). Condition: Thymoma. Review status: no classification provided. Collection method: in vitro. Allele origin: not applicable. Functional consequence: retained intron. Not counted in ClinVar's aggregate classification.

Dr. Peter K. Rogan Lab, Western University
No classification provided (evidence only). Condition: Thymoma. Review status: no classification provided. Collection method: in vitro. Allele origin: not applicable. Functional consequence: retained intron. Not counted in ClinVar's aggregate classification.

Dr. Peter K. Rogan Lab, Western University
No classification provided (evidence only). Condition: Thymoma. Review status: no classification provided. Collection method: in vitro. Allele origin: not applicable. Functional consequence: retained intron. Not counted in ClinVar's aggregate classification.

Dr. Peter K. Rogan Lab, Western University
No classification provided (evidence only). Condition: Cholangiocarcinoma. Review status: no classification provided. Collection method: in vitro. Allele origin: not applicable. Functional consequence: retained intron. Not counted in ClinVar's aggregate classification.

Dr. Peter K. Rogan Lab, Western University
No classification provided (evidence only). Condition: Cholangiocarcinoma. Review status: no classification provided. Collection method: in vitro. Allele origin: not applicable. Functional consequence: retained intron. Not counted in ClinVar's aggregate classification.

Dr. Peter K. Rogan Lab, Western University
No classification provided (evidence only). Condition: Cholangiocarcinoma. Review status: no classification provided. Collection method: in vitro. Allele origin: not applicable. Functional consequence: retained intron. Not counted in ClinVar's aggregate classification.

Dr. Peter K. Rogan Lab, Western University
No classification provided (evidence only). Condition: Uterine carcinosarcoma. Review status: no classification provided. Collection method: in vitro. Allele origin: not applicable. Functional consequence: retained intron. Not counted in ClinVar's aggregate classification.

Dr. Peter K. Rogan Lab, Western University
No classification provided (evidence only). Condition: Uterine carcinosarcoma. Review status: no classification provided. Collection method: in vitro. Allele origin: not applicable. Functional consequence: retained intron. Not counted in ClinVar's aggregate classification.

Dr. Peter K. Rogan Lab, Western University
No classification provided (evidence only). Condition: Uterine carcinosarcoma. Review status: no classification provided. Collection method: in vitro. Allele origin: not applicable. Functional consequence: retained intron. Not counted in ClinVar's aggregate classification.

Dr. Peter K. Rogan Lab, Western University
No classification provided (evidence only). Condition: Uveal melanoma. Review status: no classification provided. Collection method: in vitro. Allele origin: not applicable. Functional consequence: retained intron. Not counted in ClinVar's aggregate classification.

Dr. Peter K. Rogan Lab, Western University
No classification provided (evidence only). Condition: Uveal melanoma. Review status: no classification provided. Collection method: in vitro. Allele origin: not applicable. Functional consequence: retained intron. Not counted in ClinVar's aggregate classification.

Dr. Peter K. Rogan Lab, Western University
No classification provided (evidence only). Condition: Uveal melanoma. Review status: no classification provided. Collection method: in vitro. Allele origin: not applicable. Functional consequence: retained intron. Not counted in ClinVar's aggregate classification.

Dr. Peter K. Rogan Lab, Western University
No classification provided (evidence only). Condition: Uveal melanoma. Review status: no classification provided. Collection method: in vitro. Allele origin: not applicable. Functional consequence: retained intron. Not counted in ClinVar's aggregate classification.

Dr. Peter K. Rogan Lab, Western University
No classification provided (evidence only). Condition: Uveal melanoma. Review status: no classification provided. Collection method: in vitro. Allele origin: not applicable. Functional consequence: retained intron. Not counted in ClinVar's aggregate classification.

Dr. Peter K. Rogan Lab, Western University
No classification provided (evidence only). Condition: Uveal melanoma. Review status: no classification provided. Collection method: in vitro. Allele origin: not applicable. Functional consequence: retained intron. Not counted in ClinVar's aggregate classification.